The following is an entry in ClinVar:

NM_016156.6(MTMR2):c.1233G>A (p.Thr411=)

Gene: MTMR2 (myotubularin related protein 2; minus strand). Cytogenetic location: 11q21.
Variant type: single nucleotide variant.
Coding change: c.1233G>A on transcript NM_016156.6 (MANE Select); coding-DNA position 1233, G replaced by A.
Protein change: p.Thr411=; no amino-acid change (threonine 411 retained).
Molecular consequence: synonymous variant.
Genome position (GRCh38, 1-based): chr11:95,845,106, C>T on the plus strand (G>A on the coding strand, the complement: MTMR2 is on the minus strand). VCF-style: chr11-95845106-C-T. GRCh37 (hg19) VCF-style: chr11-95578270-C-T.
Other names: p.T411T:ACG>ACA; p.Thr411=; c.1233G>A (NM_003912.1); c.1017G>A, p.Thr339= (NM_001243571.2, NM_201278.3, NM_201281.3).
Identifiers: ClinVar variation 138271 (VCV000138271.32), dbSNP rs113897932, ClinGen allele CA292183.

ClinVar aggregate classification (germline): Benign. Review status: criteria provided, multiple submitters, no conflicts (2 of 4 stars). 9 submissions from 9 submitters: Benign (8). 1 of the submissions does not count toward it. Last evaluated 2026-02-03.

Conditions:
Charcot-Marie-Tooth disease. Also called: Charcot-Marie-Tooth Hereditary Neuropathy; Charcot-Marie-Tooth Neuropathy. Identifiers: Orphanet 166, MedGen C0007959, MONDO:0015626.
Charcot-Marie-Tooth disease type 4. Also called: Charcot-Marie-Tooth disease, type IV; Charcot-Marie-Tooth, Type 4. Identifiers: Orphanet 64749, MedGen C4082197, MONDO:0018995.
Charcot-Marie-Tooth disease type 4B1. Also called: CHARCOT-MARIE-TOOTH DISEASE, DEMYELINATING, TYPE 4B1; CHARCOT-MARIE-TOOTH DISEASE, AUTOSOMAL RECESSIVE, WITH FOCALLY FOLDED MYELIN SHEATHS, AUTOSOMAL RECESSIVE, TYPE 4B1; CHARCOT-MARIE-TOOTH DISEASE, TYPE 4B; Charcot-Marie-Tooth Neuropathy Type 4B1. Identifiers: Orphanet 99955, MedGen C1832399, MONDO:0011066, OMIM 601382.

Allele frequency attached by ClinVar (database versions not stated): 1000 Genomes Project 30x 0.00547; 1000 Genomes Project 0.00619; TOPMed 0.01552; gnomAD 0.01578 and 0.01619; gnomAD exomes 0.01671 and 0.02298; ExAC 0.01701; ESP Exome Variant Server 0.01985.
gnomAD v4.1: 35,914 of 1,613,806 alleles (2.2%); highest among the groups gnomAD compares: Non-Finnish European, 2.7%; 466 homozygotes.

Submissions (9):

Labcorp Genetics (formerly Invitae), Labcorp
Classification: Benign for Charcot-Marie-Tooth disease type 4. Last evaluated: 2026-02-03. Review status: criteria provided, single submitter. Criteria: Invitae Variant Classification Sherloc (09022015). Collection method: clinical testing. Allele origin: germline.

Athena Diagnostics
Classification: Benign. Last evaluated: 2025-08-12. Review status: criteria provided, single submitter. Criteria: Athena Diagnostics Criteria. Collection method: clinical testing. Allele origin: unknown.
Comment: The frequency of this variant in the general population is higher than would generally be expected for pathogenic variants in this gene.

ARUP Laboratories, Molecular Genetics and Genomics, ARUP Laboratories
Classification: Benign for Charcot-Marie-Tooth disease type 4B1. Last evaluated: 2025-07-17. Review status: criteria provided, single submitter. Criteria: ARUP Molecular Germline Variant Investigation Process 2024. Collection method: clinical testing. Allele origin: germline.

Illumina Laboratory Services, Illumina
Classification: Benign for Charcot-Marie-Tooth disease type 4B1. Last evaluated: 2018-01-13. Review status: criteria provided, single submitter. Criteria: ICSL Variant Classification Criteria 13 December 2019. Collection method: clinical testing. Allele origin: germline.
Comment: This variant was observed in the ICSL laboratory as part of a predisposition screen in an ostensibly healthy population. It had not been previously curated by ICSL or reported in the Human Gene Mutation Database (HGMD: prior to June 1st, 2018), and was therefore a candidate for classification through an automated scoring system. Utilizing variant allele frequency, disease prevalence and penetrance estimates, and inheritance mode, an automated score was calculated to assess if this variant is too frequent to cause the disease. Based on the score and internal cut-off values, a variant classified as benign is not then subjected to further curation. The score for this variant resulted in a classification of benign for this disease.

Mayo Clinic Laboratories, Mayo Clinic
Classification: Benign. Last evaluated: 2016-06-09. Review status: criteria provided, single submitter. Criteria: ACMG Guidelines, 2015. Collection method: clinical testing. Allele origin: germline. Observed: 110 variant alleles.

GeneDx
Classification: Benign. Last evaluated: 2014-05-23. Review status: criteria provided, single submitter. Criteria: GeneDx Variant Classification (06012015). Collection method: clinical testing. Allele origin: germline. Affected: yes.
Comment: This variant is considered likely benign or benign based on one or more of the following criteria: it is a conservative change, it occurs at a poorly conserved position in the protein, it is predicted to be benign by multiple in silico algorithms, and/or has population frequency not consistent with disease.

Breakthrough Genomics
Classification: Benign. Review status: criteria provided, single submitter. Criteria: ACMG Guidelines, 2015. Collection method: not provided. Allele origin: germline. Inheritance: Autosomal recessive inheritance. Affected: yes.

Molecular Genetics Laboratory, London Health Sciences Centre
Classification: Benign for Charcot-Marie-Tooth disease. Review status: criteria provided, single submitter. Criteria: ACMG Guidelines, 2015. Collection method: clinical testing. Allele origin: germline. Affected: yes.

Inherited Neuropathy Consortium
Classification: Benign. Review status: no assertion criteria provided. Collection method: literature only. Allele origin: germline. Affected: yes. Not counted in ClinVar's aggregate classification.

Literature cited by the submitters: PubMed 11354824 (cited by Athena Diagnostics and Inherited Neuropathy Consortium).